The following is an entry in ClinVar:

NM_001035.3(RYR2):c.10555-282C>A

Gene: RYR2 (ryanodine receptor 2; plus strand). Cytogenetic location: 1q43.
Variant type: single nucleotide variant.
Coding change: c.10555-282C>A on transcript NM_001035.3 (MANE Select); 282 bases into the intron before coding-DNA position 10555, C replaced by A.
Molecular consequence: intron variant.
Genome position (GRCh38, 1-based): chr1:237,722,846, C>A. VCF-style: chr1-237722846-C-A. GRCh37 (hg19) VCF-style: chr1-237886146-C-A.
Identifiers: ClinVar variation 683790 (VCV000683790.1), dbSNP rs2090876, ClinGen allele CA10958881.

ClinVar aggregate classification (germline): Benign (1 of 4 stars; one submission).

Allele frequency attached by ClinVar (database versions not stated): gnomAD 0.19379 and 0.20433; TOPMed 0.20622; 1000 Genomes Project 30x 0.29435; 1000 Genomes Project 0.30272.
gnomAD v4.1: 31,097 of 152,010 alleles (20%); highest among the groups gnomAD compares: East Asian, 65%; 3,968 homozygotes.

Submission:

GeneDx
Classification: Benign. Last evaluated: 2018-06-19. Review status: criteria provided, single submitter. Criteria: GeneDx Variant Classification (06012015). Collection method: clinical testing. Allele origin: germline. Affected: yes.
Comment: This variant is considered likely benign or benign based on one or more of the following criteria: it is a conservative change, it occurs at a poorly conserved position in the protein, it is predicted to be benign by multiple in silico algorithms, and/or has population frequency not consistent with disease.